The following is an entry in ClinVar:

ClinVar aggregate classification (germline): Uncertain significance (1 of 4 stars; one submission).

Conditions:
Hereditary cancer-predisposing syndrome. Also called: Hereditary neoplastic syndrome; Neoplastic Syndromes, Hereditary; Tumor predisposition; Hereditary Cancer Syndrome. Identifiers: Orphanet 140162, MedGen C0027672, MeSH D009386, MONDO:0015356.

Submission:

Ambry Genetics
Classification: Uncertain significance for Hereditary cancer-predisposing syndrome. Last evaluated: 2024-12-29. Review status: criteria provided, single submitter. Criteria: Ambry Variant Classification Scheme 2023. Collection method: clinical testing. Allele origin: germline.
Comment: The p.K59T variant (also known as c.176A>C), located in coding exon 1 of the CDKN1B gene, results from an A to C substitution at nucleotide position 176. The lysine at codon 59 is replaced by threonine, an amino acid with similar properties. This amino acid position is conserved. In addition, the in silico prediction for this alteration is inconclusive. Based on the available evidence, the clinical significance of this variant remains unclear.

NM_004064.5(CDKN1B):c.176A>C (p.Lys59Thr)

Gene: CDKN1B (cyclin dependent kinase inhibitor 1B; plus strand). Cytogenetic location: 12p13.1.
Variant type: single nucleotide variant.
Coding change: c.176A>C on transcript NM_004064.5 (MANE Select); coding-DNA position 176, A replaced by C.
Protein change: p.Lys59Thr; replaces lysine 59 with threonine.
Molecular consequence: missense variant.
Genome position (GRCh38, 1-based): chr12:12,718,015, A>C. VCF-style: chr12-12718015-A-C. GRCh37 (hg19) VCF-style: chr12-12870949-A-C.
Other names: short protein forms K59T.
Identifiers: ClinVar variation 3830967 (VCV003830967.1).